The following is an entry in ClinVar:

ClinVar aggregate classification (germline): Uncertain significance (1 of 4 stars; one submission).

Allele frequency attached by ClinVar (database versions not stated): gnomAD exomes 0.00001; ExAC 0.00002; gnomAD 0.00002; TOPMed 0.00002.

Submission:

Labcorp Genetics (formerly Invitae), Labcorp
Classification: Uncertain significance. Last evaluated: 2023-09-27. Review status: criteria provided, single submitter. Criteria: Invitae Variant Classification Sherloc (09022015). Collection method: clinical testing. Allele origin: germline.
Comment: This sequence change replaces alanine, which is neutral and non-polar, with serine, which is neutral and polar, at codon 51 of the CARMIL2 protein (p.Ala51Ser). This variant is present in population databases (rs756158417, gnomAD 0.09%), including at least one homozygous and/or hemizygous individual. This variant has not been reported in the literature in individuals affected with CARMIL2-related conditions. ClinVar contains an entry for this variant (Variation ID: 1945222). Advanced modeling of protein sequence and biophysical properties (such as structural, functional, and spatial information, amino acid conservation, physicochemical variation, residue mobility, and thermodynamic stability) has been performed at Invitae for this missense variant, however the output from this modeling did not meet the statistical confidence thresholds required to predict the impact of this variant on CARMIL2 protein function. In summary, the available evidence is currently insufficient to determine the role of this variant in disease. Therefore, it has been classified as a Variant of Uncertain Significance.

NM_001013838.3(CARMIL2):c.151G>T (p.Ala51Ser)

Gene: CARMIL2 (capping protein regulator and myosin 1 linker 2; plus strand). Cytogenetic location: 16q22.1.
Variant type: single nucleotide variant.
Coding change: c.151G>T on transcript NM_001013838.3 (MANE Select); coding-DNA position 151, G replaced by T.
Protein change: p.Ala51Ser; replaces alanine 51 with serine.
Molecular consequence: missense variant.
Genome position (GRCh38, 1-based): chr16:67,645,742, G>T. VCF-style: chr16-67645742-G-T. GRCh37 (hg19) VCF-style: chr16-67679645-G-T.
Other names: c.151G>T, p.Ala51Ser (NM_001317026.3); short protein forms A51S.
Identifiers: ClinVar variation 1945222 (VCV001945222.3), dbSNP rs756158417, ClinGen allele CA8112946.